The following is an entry in ClinVar:

NM_005422.4(TECTA):c.2496A>G (p.Leu832=)

Genes: TBCEL-TECTA (TBCEL-TECTA readthrough; plus strand), TECTA (tectorin alpha; plus strand), LOC126861365 (P300/CBP strongly-dependent group 1 enhancer GRCh37_chr11:121000154-121001353; plus strand). Cytogenetic location: 11q23.3.
Variant type: single nucleotide variant.
Coding change: c.2496A>G on transcript NM_005422.4 (MANE Select); coding-DNA position 2496, A replaced by G.
Protein change: p.Leu832=; no amino-acid change (leucine 832 retained).
Molecular consequence: synonymous variant.
Genome position (GRCh38, 1-based): chr11:121,129,766, A>G. VCF-style: chr11-121129766-A-G. GRCh37 (hg19) VCF-style: chr11-121000475-A-G.
Other names: c.3453A>G, p.Leu1151= (NM_001378761.1).
Identifiers: ClinVar variation 681870 (VCV000681870.5), dbSNP rs764755600, ClinGen allele CA6327006.
Genomic context (GRCh38, chr11:121,129,766, plus strand): 5'-AAACAGTACGACAGTGGAGTCCAAGGGCGTGGTGACTGTCCAGTACTCAGACATAGGTCT[A>G]TTGTACATCCGGCTGTCCACCACATACTTCAATTGCACAGGGGGCTTGTGCGGCTTCTAC-3'
Protein context (NP_005413.2, residues 822-842): VVTVQYSDIG[Leu832=]LYIRLSTTYF

ClinVar aggregate classification (germline): Likely benign. Review status: criteria provided, multiple submitters, no conflicts (2 of 4 stars). 3 submissions from 3 submitters: Likely benign (2). 1 of the submissions does not count toward it. Last evaluated 2024-03-18.

Conditions:
TECTA-related disorder. Also called: TECTA-related condition.

Allele frequency attached by ClinVar (database versions not stated): ExAC 0.00003; gnomAD exomes 0.00004 and 0.00006; gnomAD 0.00005; TOPMed 0.00006.

Submissions (4):

Labcorp Genetics (formerly Invitae), Labcorp
Classification: Likely benign. Last evaluated: 2024-03-18. Review status: criteria provided, single submitter. Criteria: Invitae Variant Classification Sherloc (09022015). Collection method: clinical testing. Allele origin: germline.

GeneDx
Classification: Likely benign. Last evaluated: 2018-04-19. Review status: criteria provided, single submitter. Criteria: GeneDx Variant Classification (06012015). Collection method: clinical testing. Allele origin: germline. Affected: yes.
Comment: This variant is considered likely benign or benign based on one or more of the following criteria: it is a conservative change, it occurs at a poorly conserved position in the protein, it is predicted to be benign by multiple in silico algorithms, and/or has population frequency not consistent with disease.

PreventionGenetics, part of Exact Sciences
Classification: Likely benign for TECTA-related condition. Last evaluated: 2024-07-10. Review status: no assertion criteria provided. Collection method: clinical testing. Allele origin: germline. Not counted in ClinVar's aggregate classification.
Comment: This variant is classified as likely benign based on ACMG/AMP sequence variant interpretation guidelines (Richards et al. 2015 PMID: 25741868, with internal and published modifications).

Dr. Peter K. Rogan Lab, Western University
No classification provided (evidence only). Condition: Thyroid cancer, nonmedullary, 1. Review status: no classification provided. Collection method: in vitro. Allele origin: not applicable. Functional consequence: retained intron. Not counted in ClinVar's aggregate classification.